The following is an entry in ClinVar:

ClinVar aggregate classification (germline): Uncertain significance (1 of 4 stars; one submission).

Allele frequency attached by ClinVar (database versions not stated): ExAC 0.00001; gnomAD 0.00001; gnomAD exomes 0.00002; TOPMed 0.00002.
gnomAD v4.1: 49 of 1,613,994 alleles (0.003%); highest among the groups gnomAD compares: Middle Eastern, 0.016%; no homozygotes.

Submission:

Labcorp Genetics (formerly Invitae), Labcorp
Classification: Uncertain significance. Last evaluated: 2022-10-13. Review status: criteria provided, single submitter. Criteria: Invitae Variant Classification Sherloc (09022015). Collection method: clinical testing. Allele origin: germline.
Comment: This sequence change replaces glutamic acid, which is acidic and polar, with lysine, which is basic and polar, at codon 645 of the CDH3 protein (p.Glu645Lys). This variant is present in population databases (rs756394679, gnomAD 0.005%). This variant has not been reported in the literature in individuals affected with CDH3-related conditions. ClinVar contains an entry for this variant (Variation ID: 1036542). Advanced modeling of protein sequence and biophysical properties (such as structural, functional, and spatial information, amino acid conservation, physicochemical variation, residue mobility, and thermodynamic stability) performed at Invitae indicates that this missense variant is not expected to disrupt CDH3 protein function. In summary, the available evidence is currently insufficient to determine the role of this variant in disease. Therefore, it has been classified as a Variant of Uncertain Significance.

NM_001793.6(CDH3):c.1933G>A (p.Glu645Lys)

Gene: CDH3 (cadherin 3; plus strand). Cytogenetic location: 16q22.1.
Variant type: single nucleotide variant.
Coding change: c.1933G>A on transcript NM_001793.6 (MANE Select); coding-DNA position 1933, G replaced by A.
Protein change: p.Glu645Lys; replaces glutamic acid 645 with lysine.
Molecular consequence: missense variant.
Genome position (GRCh38, 1-based): chr16:68,691,857, G>A. VCF-style: chr16-68691857-G-A. GRCh37 (hg19) VCF-style: chr16-68725760-G-A.
Other names: c.1933G>A, p.Glu645Lys (NM_001317195.3); c.1768G>A, p.Glu590Lys (NM_001317196.2); short protein forms E590K, E645K.
Identifiers: ClinVar variation 1036542 (VCV001036542.4), dbSNP rs756394679, ClinGen allele CA8129513.